The following is an entry in ClinVar:

NM_001126108.2(SLC12A3):c.2178+1G>A

Gene: SLC12A3 (solute carrier family 12 member 3; plus strand). Cytogenetic location: 16q13.
Variant type: single nucleotide variant.
Coding change: c.2178+1G>A on transcript NM_001126108.2 (MANE Select); the canonical splice donor site of the intron after coding-DNA position 2178, G replaced by A.
Molecular consequence: splice donor variant.
Genome position (GRCh38, 1-based): chr16:56,887,094, G>A. VCF-style: chr16-56887094-G-A. GRCh37 (hg19) VCF-style: chr16-56921006-G-A.
Other names: c.2178+1G>A (NM_000339.3); c.2175+1G>A (NM_001126107.2, NM_001410896.1).
Identifiers: ClinVar variation 2847549 (VCV002847549.4), dbSNP rs2144730439, ClinGen allele CA395994049.
Genomic context (GRCh38, chr16:56,887,094, plus strand): 5'-GCCTTCTACTCGGATGTCATTGCCGAGGACCTCCGCAGAGGCGTCCAGATCCTCATGCAG[G>A]TGCCATGGACTGGGGGCTCCCCTACAGGACTTACGGCTTGGTGGCACAACCTGGAAGGCA-3'

ClinVar aggregate classification (germline): Likely pathogenic. Review status: criteria provided, multiple submitters, no conflicts (2 of 4 stars). 2 submissions from 2 submitters: Likely pathogenic (2). Last evaluated 2024-03-12.

Conditions:
Familial hypokalemia-hypomagnesemia (GTLMNS). Also called: HYPOMAGNESEMIA-HYPOKALEMIA, PRIMARY RENOTUBULAR, WITH HYPOCALCIURIA; POTASSIUM AND MAGNESIUM DEPLETION; gitelman syndrome. Identifiers: Orphanet 358, MedGen C0268450, MONDO:0009904, OMIM 263800.

Submissions (2):

Fulgent Genetics
Classification: Likely pathogenic for Familial hypokalemia-hypomagnesemia. Last evaluated: 2024-03-12. Review status: criteria provided, single submitter. Criteria: ACMG Guidelines, 2015. Collection method: clinical testing. Allele origin: germline.

Labcorp Genetics (formerly Invitae), Labcorp
Classification: Likely pathogenic. Last evaluated: 2023-03-19. Review status: criteria provided, single submitter. Criteria: Invitae Variant Classification Sherloc (09022015). Collection method: clinical testing. Allele origin: germline.
Comment: In summary, the currently available evidence indicates that the variant is pathogenic, but additional data are needed to prove that conclusively. Therefore, this variant has been classified as Likely Pathogenic. Algorithms developed to predict the effect of sequence changes on RNA splicing suggest that this variant may disrupt the consensus splice site. This variant has not been reported in the literature in individuals affected with SLC12A3-related conditions. This variant is not present in population databases (gnomAD no frequency). This sequence change affects a donor splice site in intron 17 of the SLC12A3 gene. It is expected to disrupt RNA splicing. Variants that disrupt the donor or acceptor splice site typically lead to a loss of protein function (PMID: 16199547), and loss-of-function variants in SLC12A3 are known to be pathogenic (PMID: 20848653, 22009145, 25841442).

Literature cited by the submitters: PubMed 16199547 (cited by Labcorp Genetics (formerly Invitae), Labcorp); PubMed 20848653 (cited by Labcorp Genetics (formerly Invitae), Labcorp); PubMed 22009145 (cited by Labcorp Genetics (formerly Invitae), Labcorp); PubMed 25841442 (cited by Labcorp Genetics (formerly Invitae), Labcorp).